The following is an entry in ClinVar:

ClinVar aggregate classification (germline): Conflicting classifications of pathogenicity. Review status: criteria provided, conflicting classifications (1 of 4 stars). 3 submissions from 3 submitters: Uncertain significance (2); Likely benign (1). Last evaluated 2025-03-02.

Conditions:
Meckel-Gruber syndrome. Also called: Dysencephalia splachnocystica; DYSENCEPHALIA SPLANCHNOCYSTICA; GRUBER SYNDROME. Identifiers: Orphanet 564, MedGen C0265215, MONDO:0018921.
Joubert syndrome. Also called: Familial aplasia of the vermis; JOUBERT-BOLTSHAUSER SYNDROME. Identifiers: Orphanet 475, MedGen C5979921, MONDO:0018772.

Allele frequency attached by ClinVar (database versions not stated): gnomAD exomes 0.00002 and 0.00005; ExAC 0.00016.
gnomAD v4.1: 31 of 1,548,112 alleles (0.002%); highest among the groups gnomAD compares: Middle Eastern, 0.051%; 1 homozygote.

Submissions (3):

Labcorp Genetics (formerly Invitae), Labcorp
Classification: Likely benign for Joubert syndrome; Meckel-Gruber syndrome. Last evaluated: 2025-03-02. Review status: criteria provided, single submitter. Criteria: Invitae Variant Classification Sherloc (09022015). Collection method: clinical testing. Allele origin: germline.

GeneDx
Classification: Uncertain significance. Last evaluated: 2019-03-13. Review status: criteria provided, single submitter. Criteria: GeneDx Variant Classification Process June 2021. Collection method: clinical testing. Allele origin: germline. Affected: yes.
Comment: In silico analysis, which includes protein predictors and evolutionary conservation, supports that this variant does not alter protein structure/function; Has not been previously published as pathogenic or benign to our knowledge

Eurofins Ntd Llc (ga)
Classification: Uncertain significance. Last evaluated: 2017-08-11. Review status: criteria provided, single submitter. Criteria: EGL Classification Definitions 2015. Collection method: clinical testing. Allele origin: germline. Observed: 1 variant allele, 1 heterozygote.

NM_001378615.1(CC2D2A):c.3618T>A (p.Asp1206Glu)

Genes: CC2D2A (coiled-coil and C2 domain containing 2A; plus strand), FBXL5 (F-box and leucine rich repeat protein 5; minus strand). Cytogenetic location: 4p15.32.
Variant type: single nucleotide variant.
Coding change: c.3618T>A on transcript NM_001378615.1 (MANE Select); coding-DNA position 3618, T replaced by A.
Protein change: p.Asp1206Glu; replaces aspartic acid 1206 with glutamic acid.
Molecular consequence: missense variant.
Genome position (GRCh38, 1-based): chr4:15,574,173, T>A. VCF-style: chr4-15574173-T-A. GRCh37 (hg19) VCF-style: chr4-15575796-T-A.
Other names: c.3618T>A, p.Asp1206Glu (NM_001080522.2); c.3471T>A, p.Asp1157Glu (NM_001378617.1); short protein forms D1206E, D1157E.
Identifiers: ClinVar variation 593543 (VCV000593543.10), dbSNP rs766400907, ClinGen allele CA2864216.